The following is an entry in ClinVar:

NM_004789.4(LHX2):c.958A>G (p.Lys320Glu)

Gene: LHX2 (LIM homeobox 2; plus strand). Cytogenetic location: 9q33.3.
Variant type: single nucleotide variant.
Coding change: c.958A>G on transcript NM_004789.4 (MANE Select); coding-DNA position 958, A replaced by G.
Protein change: p.Lys320Glu; replaces lysine 320 with glutamic acid.
Molecular consequence: missense variant.
Genome position (GRCh38, 1-based): chr9:124,032,444, A>G. VCF-style: chr9-124032444-A-G. GRCh37 (hg19) VCF-style: chr9-126794723-A-G.
Other names: short protein forms K320E.
Identifiers: ClinVar variation 3774009 (VCV003774009.1).

ClinVar aggregate classification (germline): Uncertain significance (1 of 4 stars; one submission).

Submission:

GeneDx
Classification: Uncertain significance. Last evaluated: 2024-09-19. Review status: criteria provided, single submitter. Criteria: GeneDx Variant Classification Process June 2021. Collection method: clinical testing. Allele origin: germline. Affected: yes.
Comment: Not observed at significant frequency in large population cohorts (gnomAD); In silico analysis supports that this missense variant has a deleterious effect on protein structure/function; Has not been previously published as pathogenic or benign to our knowledge